The following is an entry in ClinVar:

NM_001040167.2(LFNG):c.245C>A (p.Thr82Asn)

Gene: LFNG (LFNG O-fucosylpeptide 3-beta-N-acetylglucosaminyltransferase; plus strand). Cytogenetic location: 7p22.3.
Variant type: single nucleotide variant.
Coding change: c.245C>A on transcript NM_001040167.2 (MANE Select); coding-DNA position 245, C replaced by A.
Protein change: p.Thr82Asn; replaces threonine 82 with asparagine.
Molecular consequence: missense variant. On other transcripts: intron variant (2).
Genome position (GRCh38, 1-based): chr7:2,520,106, C>A. VCF-style: chr7-2520106-C-A. GRCh37 (hg19) VCF-style: chr7-2559740-C-A.
Other names: c.245C>A (NM_001040167.1); c.245C>A, p.Thr82Asn (NM_001040168.2); c.220-4589C>A (NM_001166355.2); c.45+1508C>A (NM_002304.3); short protein forms T82N.
Identifiers: ClinVar variation 1516852 (VCV001516852.9), dbSNP rs1405255261, ClinGen allele CA366613464.
Genomic context (GRCh38, chr7:2,520,106, plus strand): 5'-CGGCGCCCGGGGCGCTGGTCCGCGACGTGCACAGTCTGTCCGAGTACTTCAGCCTGCTCA[C>A]CCGCGCGCGCAGAGATGCGGGCCCGCCGCCCGGGGCTGCCCCCCGCCCCGCCGACGGCCA-3'
Protein context (NP_001035257.1, residues 72-92): HSLSEYFSLL[Thr82Asn]RARRDAGPPP

ClinVar aggregate classification (germline): Uncertain significance. Review status: criteria provided, multiple submitters, no conflicts (2 of 4 stars). 2 submissions from 2 submitters: Uncertain significance (2). Last evaluated 2025-08-22.

Conditions:
Inborn genetic diseases. Identifiers: MedGen C0950123, MeSH D030342.
Spondylocostal dysostosis 3, autosomal recessive (SCDO3). Also called: LFNG-Related Spondylocostal Dysostosis, Autosomal Recessive. Identifiers: Orphanet 2311, MedGen C1853296, MONDO:0012349, OMIM 609813.

gnomAD v4.1: 10 of 1,346,822 alleles (0.00074%); highest among the groups gnomAD compares: Admixed American, 0.017%; no homozygotes.

Submissions (2):

Ambry Genetics
Classification: Uncertain significance for Inborn genetic diseases. Last evaluated: 2025-08-22. Review status: criteria provided, single submitter. Criteria: Ambry Variant Classification Scheme 2023. Collection method: clinical testing. Allele origin: germline.

Labcorp Genetics (formerly Invitae), Labcorp
Classification: Uncertain significance for Spondylocostal dysostosis 3, autosomal recessive. Last evaluated: 2025-01-13. Review status: criteria provided, single submitter. Criteria: Invitae Variant Classification Sherloc (09022015). Collection method: clinical testing. Allele origin: germline.
Comment: This sequence change replaces threonine, which is neutral and polar, with asparagine, which is neutral and polar, at codon 82 of the LFNG protein (p.Thr82Asn). The frequency data for this variant in the population databases is considered unreliable, as metrics indicate poor data quality at this position in the gnomAD database. This variant has not been reported in the literature in individuals affected with LFNG-related conditions. ClinVar contains an entry for this variant (Variation ID: 1516852). An algorithm developed to predict the effect of missense changes on protein structure and function (PolyPhen-2) suggests that this variant is likely to be tolerated. In summary, the available evidence is currently insufficient to determine the role of this variant in disease. Therefore, it has been classified as a Variant of Uncertain Significance.